The following is an entry in ClinVar:

NM_006070.6(TFG):c.849A>G (p.Gln283=)

Gene: TFG (trafficking from ER to golgi regulator; plus strand). Cytogenetic location: 3q12.2.
Variant type: single nucleotide variant.
Coding change: c.849A>G on transcript NM_006070.6 (MANE Select); coding-DNA position 849, A replaced by G.
Protein change: p.Gln283=; no amino-acid change (glutamine 283 retained).
Molecular consequence: synonymous variant.
Genome position (GRCh38, 1-based): chr3:100,748,177, A>G. VCF-style: chr3-100748177-A-G. GRCh37 (hg19) VCF-style: chr3-100467021-A-G.
Other names: c.849A>G, p.Gln283= (NM_001007565.2, NM_001195478.2); c.837A>G, p.Gln279= (NM_001195479.2); c.849A>G (NM_006070.5).
Identifiers: ClinVar variation 1659556 (VCV001659556.10), dbSNP rs148835012, ClinGen allele CA2517218.

ClinVar aggregate classification (germline): Likely benign. Review status: criteria provided, multiple submitters, no conflicts (2 of 4 stars). 3 submissions from 3 submitters: Likely benign (3). Last evaluated 2026-09-01.

Conditions:
TFG-related disorder. Also called: TFG-related disorders; TFG-related condition.
Hereditary spastic paraplegia 57. Also called: Spastic paraplegia 57, autosomal recessive. Identifiers: Orphanet 431329, MedGen C3714897, MONDO:0014295, OMIM 615658.
Hereditary motor and sensory neuropathy, Okinawa type (HMSNO). Also called: HEREDITARY MOTOR AND SENSORY NEUROPATHY, PROXIMAL TYPE. Identifiers: Orphanet 90117, MedGen C1858338, MONDO:0011468, OMIM 604484.

Allele frequency attached by ClinVar (database versions not stated): gnomAD exomes 0.00006; ExAC 0.00007; ESP Exome Variant Server 0.00008; gnomAD 0.00015 and 0.00017; TOPMed 0.00015.
gnomAD v4.1: 78 of 1,613,946 alleles (0.0048%); highest among the groups gnomAD compares: African/African-American, 0.044%; no homozygotes.

Submissions (3):

CeGaT Center for Human Genetics Tuebingen
Classification: Likely benign. Last evaluated: 2026-09-01. Review status: criteria provided, single submitter. Criteria: CeGaT Center For Human Genetics Tuebingen Variant Classification Criteria Version 2. Collection method: clinical testing. Allele origin: germline. Affected: yes. Observed: 1 variant allele.
Comment: TFG: BP4, BP7

PreventionGenetics, part of Exact Sciences
Classification: Likely benign for TFG-related condition. Last evaluated: 2025-12-29. Review status: criteria provided, single submitter. Criteria: ACMG Guidelines, 2015. Collection method: clinical testing. Allele origin: germline.
Comment: This variant is classified as likely benign based on ACMG/AMP sequence variant interpretation guidelines (Richards et al. 2015 PMID: 25741868, with internal and published modifications).

Labcorp Genetics (formerly Invitae), Labcorp
Classification: Likely benign for Hereditary motor and sensory neuropathy, Okinawa type; Hereditary spastic paraplegia 57. Last evaluated: 2025-06-10. Review status: criteria provided, single submitter. Criteria: Invitae Variant Classification Sherloc (09022015). Collection method: clinical testing. Allele origin: germline.